The following is an entry in ClinVar:

ClinVar aggregate classification (germline): Uncertain significance (1 of 4 stars; one submission).

Allele frequency attached by ClinVar (database versions not stated): gnomAD exomes below 0.00001.

Submission:

Labcorp Genetics (formerly Invitae), Labcorp
Classification: Uncertain significance. Last evaluated: 2021-12-02. Review status: criteria provided, single submitter. Criteria: Invitae Variant Classification Sherloc (09022015). Collection method: clinical testing. Allele origin: germline.
Comment: In summary, the available evidence is currently insufficient to determine the role of this variant in disease. Therefore, it has been classified as a Variant of Uncertain Significance. Algorithms developed to predict the effect of missense changes on protein structure and function (SIFT, PolyPhen-2, Align-GVGD) all suggest that this variant is likely to be tolerated. This variant has not been reported in the literature in individuals affected with ARCN1-related conditions. This variant is present in population databases (no rsID available, gnomAD 0.0009%). This sequence change replaces methionine, which is neutral and non-polar, with isoleucine, which is neutral and non-polar, at codon 199 of the ARCN1 protein (p.Met199Ile).

NM_001655.5(ARCN1):c.597G>T (p.Met199Ile)

Gene: ARCN1 (archain 1 coat protein complex I subunit delta; plus strand). Cytogenetic location: 11q23.3.
Variant type: single nucleotide variant.
Coding change: c.597G>T on transcript NM_001655.5 (MANE Select); coding-DNA position 597, G replaced by T.
Protein change: p.Met199Ile; replaces methionine 199 with isoleucine.
Molecular consequence: missense variant.
Genome position (GRCh38, 1-based): chr11:118,583,958, G>T. VCF-style: chr11-118583958-G-T. GRCh37 (hg19) VCF-style: chr11-118454673-G-T.
Other names: c.333G>T, p.Met111Ile (NM_001142281.2); short protein forms M111I, M199I.
Identifiers: ClinVar variation 1449727 (VCV001449727.8), dbSNP rs1555075071, ClinGen allele CA382805698.